The following is an entry in ClinVar:

NM_001481.3(DRC4):c.751C>T (p.Leu251Phe)

Gene: DRC4 (dynein regulatory complex subunit 4; plus strand). Cytogenetic location: 16q24.3.
Variant type: single nucleotide variant.
Coding change: c.751C>T on transcript NM_001481.3 (MANE Select); coding-DNA position 751, C replaced by T.
Protein change: p.Leu251Phe; replaces leucine 251 with phenylalanine.
Molecular consequence: missense variant.
Genome position (GRCh38, 1-based): chr16:90,036,581, C>T. VCF-style: chr16-90036581-C-T. GRCh37 (hg19) VCF-style: chr16-90102989-C-T.
Other names: c.502C>T, p.Leu168Phe (NM_001286205.2); c.175C>T, p.Leu59Phe (NM_001286208.2); c.676C>T, p.Leu226Phe (NM_001286209.2); short protein forms L226F, L59F, L168F, L251F.
Identifiers: ClinVar variation 2113044 (VCV002113044.4), dbSNP rs1205203173, ClinGen allele CA397466591.

ClinVar aggregate classification (germline): Uncertain significance (1 of 4 stars; one submission).

Conditions:
Primary ciliary dyskinesia 33. Also called: CILIARY DYSKINESIA, PRIMARY, 33, WITHOUT SITUS INVERSUS. Identifiers: Orphanet 244, MedGen C4225230, MONDO:0014750, OMIM 616726.

Allele frequency attached by ClinVar (database versions not stated): gnomAD exomes below 0.00001.
gnomAD v4.1: 2 of 1,573,922 alleles (0.00013%); highest among the groups gnomAD compares: Non-Finnish European, 0.000086%; no homozygotes.

Submission:

Labcorp Genetics (formerly Invitae), Labcorp
Classification: Uncertain significance for Primary ciliary dyskinesia 33. Last evaluated: 2023-11-27. Review status: criteria provided, single submitter. Criteria: Invitae Variant Classification Sherloc (09022015). Collection method: clinical testing. Allele origin: germline.
Comment: This sequence change replaces leucine, which is neutral and non-polar, with phenylalanine, which is neutral and non-polar, at codon 251 of the GAS8 protein (p.Leu251Phe). This variant is present in population databases (no rsID available, gnomAD 0.004%). This variant has not been reported in the literature in individuals affected with GAS8-related conditions. ClinVar contains an entry for this variant (Variation ID: 2113044). Advanced modeling of protein sequence and biophysical properties (such as structural, functional, and spatial information, amino acid conservation, physicochemical variation, residue mobility, and thermodynamic stability) performed at Invitae indicates that this missense variant is expected to disrupt GAS8 protein function with a positive predictive value of 80%. In summary, the available evidence is currently insufficient to determine the role of this variant in disease. Therefore, it has been classified as a Variant of Uncertain Significance.